The following is an entry in ClinVar:

NM_001261826.3(AP3D1):c.732+2C>T

Gene: AP3D1 (adaptor related protein complex 3 subunit delta 1; minus strand). Cytogenetic location: 19p13.3.
Variant type: single nucleotide variant.
Coding change: c.732+2C>T on transcript NM_001261826.3 (MANE Select); the canonical splice donor site of the intron after coding-DNA position 732, C replaced by T.
Molecular consequence: splice donor variant.
Genome position (GRCh38, 1-based): chr19:2,129,316, G>A on the plus strand (C>T on the coding strand, the complement: AP3D1 is on the minus strand). VCF-style: chr19-2129316-G-A. GRCh37 (hg19) VCF-style: chr19-2129315-G-A.
Other names: c.732+2C>T (NM_003938.8, NM_001374799.1).
Identifiers: ClinVar variation 2860698 (VCV002860698.3), dbSNP rs766973176, ClinGen allele CA9059615.

ClinVar aggregate classification (germline): Uncertain significance (1 of 4 stars; one submission).

Allele frequency attached by ClinVar (database versions not stated): gnomAD exomes below 0.00001; ExAC 0.00001; gnomAD 0.00001; TOPMed 0.00001.
gnomAD v4.1: 3 of 1,613,830 alleles (0.00019%); highest among the groups gnomAD compares: African/African-American, 0.0027%; no homozygotes.

Submission:

Labcorp Genetics (formerly Invitae), Labcorp
Classification: Uncertain significance. Last evaluated: 2023-04-30. Review status: criteria provided, single submitter. Criteria: Invitae Variant Classification Sherloc (09022015). Collection method: clinical testing. Allele origin: germline.
Comment: In summary, the available evidence is currently insufficient to determine the role of this variant in disease. Therefore, it has been classified as a Variant of Uncertain Significance. Variants that disrupt the consensus splice site are a relatively common cause of aberrant splicing (PMID: 17576681, 9536098). Algorithms developed to predict the effect of sequence changes on RNA splicing suggest that this variant may disrupt the consensus splice site. This variant has not been reported in the literature in individuals affected with AP3D1-related conditions. This variant is present in population databases (rs766973176, gnomAD 0.007%). This sequence change falls in intron 7 of the AP3D1 gene. It does not directly change the encoded amino acid sequence of the AP3D1 protein. It affects a nucleotide within the consensus splice site.

Literature cited by the submitters: PubMed 17576681; PubMed 9536098.